The following is an entry in ClinVar:

ClinVar aggregate classification (germline): Uncertain significance (1 of 4 stars; one submission).

Submission:

GeneDx
Classification: Uncertain significance. Last evaluated: 2023-04-28. Review status: criteria provided, single submitter. Criteria: GeneDx Variant Classification Process June 2021. Collection method: clinical testing. Allele origin: germline.
Comment: Not observed at significant frequency in large population cohorts (gnomAD); Frameshift variant predicted to result in protein truncation or nonsense mediated decay in a gene or region of a gene for which loss of function is not a well-established mechanism of disease; Has not been previously published as pathogenic or benign to our knowledge

NM_006218.4(PIK3CA):c.2039_2042del (p.Val680fs)

Gene: PIK3CA (phosphatidylinositol-4,5-bisphosphate 3-kinase catalytic subunit alpha; plus strand). Cytogenetic location: 3q26.32.
Variant type: Deletion.
Coding change: c.2039_2042del on transcript NM_006218.4 (MANE Select); coding-DNA positions 2039 to 2042, 4 bases deleted (TTAG; older notation c.2039_2042delTTAG).
Protein change: p.Val680fs; shifts the reading frame from valine 680.
Molecular consequence: frameshift variant.
Genome position (GRCh38, 1-based): chr3:179,221,009-179,221,012, TTAG deleted; deleting any 4 consecutive bases within chr3:179,221,007-179,221,012 gives the same sequence; the c. name uses the placement nearest the transcript's 3' end. VCF-style (leftmost placement, unchanged base first): chr3-179221006-CAGTT-C. GRCh37 (hg19) VCF-style: chr3-178938794-CAGTT-C.
Other names: c.2039_2042delTTAG, p.Val680Alafs (NM_006218.2); short protein forms V680fs.
Identifiers: ClinVar variation 1803691 (VCV001803691.2), dbSNP rs1315362059, ClinGen allele CA903276106.